The following is an entry in ClinVar:

ClinVar aggregate classification (germline): Likely pathogenic (1 of 4 stars; one submission).

Conditions:
Hereditary nonpolyposis colon cancer (HNPCC). Also called: Hereditary Nonpolyposis Colorectal Cancer Syndrome; Hereditary nonpolyposis colorectal cancer; Familial nonpolyposis colon cancer. Identifiers: Orphanet 443909, MedGen C1333990, MONDO:0018630. Disease mechanism: loss of function.

Submission:

Women's Health and Genetics/Laboratory Corporation of America, LabCorp
Classification: Likely pathogenic for Lynch syndrome. Last evaluated: 2019-04-17. Review status: criteria provided, single submitter. Criteria: LabCorp Variant Classification Summary - May 2015. Collection method: clinical testing. Allele origin: germline.
Comment: Variant summary: PMS2 c.1911_1912delinsAT (p.Gln638X) results in a premature termination codon, predicted to cause a truncation of the encoded protein or absence of the protein due to nonsense mediated decay, which are commonly known mechanisms for disease. Truncations downstream of this position have been classified as pathogenic by our laboratory (eg. c.2117delA, p.Lys706fsX19; c.2155C>T, p.Gln719X; c.2186_2187delTC, p.Leu729fsX6). The variant was absent in 251382 control chromosomes (gnomAD). To our knowledge, no occurrence of c.1911_1912delinsAT in individuals affected with Hereditary Non-Polyposis Colon Cancer and no experimental evidence demonstrating its impact on protein function have been reported. No clinical diagnostic laboratories have submitted clinical-significance assessments for this variant to ClinVar after 2014. ClinVar reports the variant, c.1912C>T, which causes the same nonsense change by two clinical diagnostic laboratories with a classification of pathogenic. Based on the evidence outlined above, the variant was classified as likely pathogenic.

NM_000535.7(PMS2):c.1911_1912delinsAT (p.Gln638Ter)

Gene: PMS2 (PMS1 homolog 2, mismatch repair system component; minus strand). Cytogenetic location: 7p22.1.
Variant type: Indel.
Coding change: c.1911_1912delinsAT on transcript NM_000535.7 (MANE Select); coding-DNA positions 1911 to 1912, GC replaced by AT.
Protein change: p.Gln638Ter; replaces glutamine 638 with a stop codon.
Molecular consequence: nonsense. On other transcripts: non-coding transcript variant (1).
Genome position (GRCh38, 1-based): chr7:5,986,853-5,986,854, GC replaced by AT on the plus strand (GC replaced by AT on the coding strand, the reverse complement: PMS2 is on the minus strand). VCF-style: chr7-5986853-GC-AT. GRCh37 (hg19) VCF-style: chr7-6026484-GC-AT.
Other names: c.1506_1507delinsAT, p.Gln503Ter (NM_001322003.2, NM_001322004.2, NM_001322005.2 and 1 more transcripts); c.1755_1756delinsAT, p.Gln586Ter (NM_001322006.2); c.1593_1594delinsAT, p.Gln532Ter (NM_001322007.2, NM_001322008.2); c.1350_1351delinsAT, p.Gln451Ter (NM_001322010.2); c.978_979delinsAT, p.Gln327Ter (NM_001322011.2, NM_001322012.2); c.1338_1339delinsAT, p.Gln447Ter (NM_001322013.2); c.1911_1912delinsAT, p.Gln638Ter (NM_001322014.2); c.1602_1603delinsAT, p.Gln535Ter (NM_001322015.2); short protein forms Q532*, Q535*, Q447*, Q451*, Q503*, Q586*, Q638*, Q327*.
Identifiers: ClinVar variation 928783 (VCV000928783.1), dbSNP rs1782941753, ClinGen allele CA1139659552.